The following is an entry in ClinVar:

ClinVar aggregate classification (germline): Conflicting classifications of pathogenicity. Review status: criteria provided, conflicting classifications (1 of 4 stars). 4 submissions from 4 submitters: Uncertain significance (2); Likely benign (1). 1 of the submissions does not count toward it. Last evaluated 2025-08-14.

Conditions:
IFT172-related disorder. Also called: IFT172-related condition; IFT172-related disorders.
Retinitis pigmentosa 71 (RP71). Identifiers: Orphanet 791, MedGen C4225342, MONDO:0014618, OMIM 616394.
Short-rib thoracic dysplasia 10 with or without polydactyly (SRTD10). Identifiers: Orphanet 474, MedGen C3810175, MONDO:0014284, OMIM 615630.
Bardet-Biedl syndrome 20. Identifiers: MedGen C4310707, MONDO:0023670, OMIM 619471, MONDO:0014926.

Allele frequency attached by ClinVar (database versions not stated): gnomAD 0.00001 and 0.00002; gnomAD exomes 0.00001 and 0.00007; TOPMed 0.00004; ExAC 0.00007; 1000 Genomes Project 0.00020; 1000 Genomes Project 30x 0.00031.
gnomAD v4.1: 21 of 1,614,044 alleles (0.0013%); highest among the groups gnomAD compares: East Asian, 0.02%; no homozygotes.

Submissions (4):

Labcorp Genetics (formerly Invitae), Labcorp
Classification: Likely benign for Retinitis pigmentosa 71; Short-rib thoracic dysplasia 10 with or without polydactyly. Last evaluated: 2025-08-14. Review status: criteria provided, single submitter. Criteria: Invitae Variant Classification Sherloc (09022015). Collection method: clinical testing. Allele origin: germline.

Fulgent Genetics
Classification: Uncertain significance for Short-rib thoracic dysplasia 10 with or without polydactyly; Retinitis pigmentosa 71; Bardet-Biedl syndrome 20. Last evaluated: 2024-04-16. Review status: criteria provided, single submitter. Criteria: ACMG Guidelines, 2015. Collection method: clinical testing. Allele origin: germline.

Blueprint Genetics
Classification: Uncertain significance. Last evaluated: 2022-05-18. Review status: criteria provided, single submitter. Criteria: ACMG Guidelines, 2015. Collection method: clinical testing. Allele origin: germline.

PreventionGenetics, part of Exact Sciences
Classification: Uncertain significance for IFT172-related condition. Last evaluated: 2024-09-24. Review status: no assertion criteria provided. Collection method: clinical testing. Allele origin: germline. Not counted in ClinVar's aggregate classification.
Comment: The IFT172 c.2218C>T variant is predicted to result in the amino acid substitution p.Arg740Cys. This variant was reported in a fetus with ectopic kidney (Table S2, Fu et al. 2022. PubMed ID: 36307859). This variant is reported in 0.055% of alleles in individuals of East Asian descent in gnomAD. At this time, the clinical significance of this variant is uncertain due to the absence of conclusive functional and genetic evidence.

NM_015662.3(IFT172):c.2218C>T (p.Arg740Cys)

Gene: IFT172 (intraflagellar transport 172; minus strand). Cytogenetic location: 2p23.3.
Variant type: single nucleotide variant.
Coding change: c.2218C>T on transcript NM_015662.3 (MANE Select); coding-DNA position 2218, C replaced by T.
Protein change: p.Arg740Cys; replaces arginine 740 with cysteine.
Molecular consequence: missense variant.
Genome position (GRCh38, 1-based): chr2:27,461,493, G>A on the plus strand (C>T on the coding strand, the complement: IFT172 is on the minus strand). VCF-style: chr2-27461493-G-A. GRCh37 (hg19) VCF-style: chr2-27684360-G-A.
Other names: short protein forms R740C.
Identifiers: ClinVar variation 970452 (VCV000970452.12), dbSNP rs187728607, ClinGen allele CA1580358.
Genomic context (GRCh38, chr2:27,461,493, plus strand): 5'-GTAGTTCACCTGCTCGCTCCTCTTGCTGTGTGTCCATCAGCCACTGGTAGTAACTACGAC[G>A]TAGCTTCTCCAGGGCTGGGTGCCCCTGGACATGCACAGAGGACAACTAGGAGTCACATCC-3'
Protein context (NP_056477.1, residues 730-750): AKGHPALEKL[Arg740Cys]RSYYQWLMDT